The following is an entry in ClinVar:

NM_002778.4(PSAP):c.1175G>A (p.Arg392Gln)

Gene: PSAP (prosaposin; minus strand). Cytogenetic location: 10q22.1.
Variant type: single nucleotide variant.
Coding change: c.1175G>A on transcript NM_002778.4 (MANE Select); coding-DNA position 1175, G replaced by A.
Protein change: p.Arg392Gln; replaces arginine 392 with glutamine.
Molecular consequence: missense variant.
Genome position (GRCh38, 1-based): chr10:71,819,731, C>T on the plus strand (G>A on the coding strand, the complement: PSAP is on the minus strand). VCF-style: chr10-71819731-C-T. GRCh37 (hg19) VCF-style: chr10-73579488-C-T.
Other names: c.1184G>A, p.Arg395Gln (NM_001042465.3); c.1181G>A, p.Arg394Gln (NM_001042466.3); short protein forms R392Q, R394Q, R395Q.
Identifiers: ClinVar variation 1435075 (VCV001435075.3), dbSNP rs754208657, ClinGen allele CA5547467.

ClinVar aggregate classification (germline): Uncertain significance (1 of 4 stars; one submission).

Conditions:
Sphingolipid activator protein 1 deficiency. Also called: Metachromatic leukodystrophy due to saposin B deficiency; Saposin B Deficiency; METACHROMATIC LEUKODYSTROPHY DUE TO CEREBROSIDE SULFATASE ACTIVATOR DEFICIENCY. Identifiers: Orphanet 512, MedGen C0268262, MONDO:0009590, OMIM 249900.

Allele frequency attached by ClinVar (database versions not stated): gnomAD 0.00003; gnomAD exomes 0.00005; ExAC 0.00006; TOPMed 0.00006.

Submission:

Labcorp Genetics (formerly Invitae), Labcorp
Classification: Uncertain significance for Sphingolipid activator protein 1 deficiency. Last evaluated: 2022-08-23. Review status: criteria provided, single submitter. Criteria: Invitae Variant Classification Sherloc (09022015). Collection method: clinical testing. Allele origin: germline.
Comment: This sequence change replaces arginine, which is basic and polar, with glutamine, which is neutral and polar, at codon 392 of the PSAP protein (p.Arg392Gln). This variant is present in population databases (rs754208657, gnomAD 0.02%). This variant has not been reported in the literature in individuals affected with PSAP-related conditions. ClinVar contains an entry for this variant (Variation ID: 1435075). Algorithms developed to predict the effect of missense changes on protein structure and function output the following: SIFT: "Not Available"; PolyPhen-2: "Benign"; Align-GVGD: "Not Available". The glutamine amino acid residue is found in multiple mammalian species, which suggests that this missense change does not adversely affect protein function. In summary, the available evidence is currently insufficient to determine the role of this variant in disease. Therefore, it has been classified as a Variant of Uncertain Significance.